The following is an entry in ClinVar:

NM_022124.6(CDH23):c.5325C>T (p.Pro1775=)

Gene: CDH23 (cadherin related 23; plus strand). Cytogenetic location: 10q22.1.
Variant type: single nucleotide variant.
Coding change: c.5325C>T on transcript NM_022124.6 (MANE Select); coding-DNA position 5325, C replaced by T.
Protein change: p.Pro1775=; no amino-acid change (proline 1775 retained).
Molecular consequence: synonymous variant.
Genome position (GRCh38, 1-based): chr10:71,779,404, C>T. VCF-style: chr10-71779404-C-T. GRCh37 (hg19) VCF-style: chr10-73539161-C-T.
Identifiers: ClinVar variation 4529902 (VCV004529902.1).

ClinVar aggregate classification (germline): Uncertain significance (1 of 4 stars; one submission).

gnomAD v4.1: 2 of 1,613,322 alleles (0.00012%); highest among the groups gnomAD compares: Non-Finnish European, 0.00017%; no homozygotes.

Submission:

GeneDx
Classification: Uncertain significance. Last evaluated: 2025-05-15. Review status: criteria provided, single submitter. Criteria: GeneDx Variant Classification Process June 2021. Collection method: clinical testing. Allele origin: germline. Affected: yes.
Comment: Not observed at significant frequency in large population cohorts (gnomAD); In silico analysis suggests that this variant does not alter splicing; Has not been previously published as pathogenic or benign to our knowledge